The following is an entry in ClinVar:

ClinVar aggregate classification (germline): Uncertain significance (1 of 4 stars; one submission).

Conditions:
Hereditary cancer-predisposing syndrome. Also called: Tumor predisposition; Neoplastic Syndromes, Hereditary; Hereditary neoplastic syndrome; Hereditary Cancer Syndrome. Identifiers: Orphanet 140162, MedGen C0027672, MeSH D009386, MONDO:0015356.

Submission:

Ambry Genetics
Classification: Uncertain significance for Hereditary cancer-predisposing syndrome. Last evaluated: 2025-08-27. Review status: criteria provided, single submitter. Criteria: Ambry Variant Classification Scheme 2023. Collection method: clinical testing. Allele origin: germline.
Comment: The p.P430S variant (also known as c.1288C>T), located in coding exon 13 of the MUTYH gene, results from a C to T substitution at nucleotide position 1288. The proline at codon 430 is replaced by serine, an amino acid with similar properties. This amino acid position is conserved. In addition, the in silico prediction for this alteration is inconclusive. Based on the available evidence, the clinical significance of this variant remains unclear.

NM_001048174.2(MUTYH):c.1204C>T (p.Pro402Ser)

Gene: MUTYH (mutY DNA glycosylase; minus strand). Cytogenetic location: 1p34.1.
Variant type: single nucleotide variant.
Coding change: c.1204C>T on transcript NM_001048174.2 (MANE Select); coding-DNA position 1204, C replaced by T.
Protein change: p.Pro402Ser; replaces proline 402 with serine.
Molecular consequence: missense variant. On other transcripts: non-coding transcript variant (7).
Genome position (GRCh38, 1-based): chr1:45,331,455, G>A on the plus strand (C>T on the coding strand, the complement: MUTYH is on the minus strand). VCF-style: chr1-45331455-G-A. GRCh37 (hg19) VCF-style: chr1-45797127-G-A.
Other names: c.1249C>T, p.Pro417Ser (NM_001293190.2); c.1237C>T, p.Pro413Ser (NM_001293191.2, NM_001407069.1, NM_001407077.1); c.928C>T, p.Pro310Ser (NM_001293192.2, NM_001293196.2, NM_001407091.1); c.1204C>T, p.Pro402Ser (NM_001293195.2, NM_001407070.1, NM_001407088.1 and 6 more transcripts); c.859C>T, p.Pro287Ser (NM_001350650.2, NM_001350651.2, NM_001407082.1); c.1246C>T, p.Pro416Ser (NM_001407083.1, NM_001407085.1); c.1207C>T, p.Pro403Ser (NM_001407086.1, NM_001048172.2, NM_001407071.1 and 1 more transcripts); c.1225C>T, p.Pro409Ser (NM_001407087.1); and 5 more; short protein forms P287S, P310S, P409S, P413S, P427S, P374S, P416S, P389S.
Identifiers: ClinVar variation 4113150 (VCV004113150.1).